The following is an entry in ClinVar:

NM_014241.4(HACD1):c.677C>T (p.Pro226Leu)

Gene: HACD1 (3-hydroxyacyl-CoA dehydratase 1; minus strand). Cytogenetic location: 10p12.33.
Variant type: single nucleotide variant.
Coding change: c.677C>T on transcript NM_014241.4 (MANE Select); coding-DNA position 677, C replaced by T.
Protein change: p.Pro226Leu; replaces proline 226 with leucine.
Molecular consequence: missense variant.
Genome position (GRCh38, 1-based): chr10:17,594,312, G>A on the plus strand (C>T on the coding strand, the complement: HACD1 is on the minus strand). VCF-style: chr10-17594312-G-A. GRCh37 (hg19) VCF-style: chr10-17636311-G-A.
Other names: short protein forms P226L.
Identifiers: ClinVar variation 1486994 (VCV001486994.5), dbSNP rs782810650, ClinGen allele CA5427232.

ClinVar aggregate classification (germline): Uncertain significance (1 of 4 stars; one submission).

Allele frequency attached by ClinVar (database versions not stated): gnomAD 0.00005 and 0.00006; gnomAD exomes 0.00005 and 0.00006; TOPMed 0.00006; ExAC 0.00008.
gnomAD v4.1: 93 of 1,602,552 alleles (0.0058%); highest among the groups gnomAD compares: Non-Finnish European, 0.0069%; no homozygotes.

Submission:

Labcorp Genetics (formerly Invitae), Labcorp
Classification: Uncertain significance. Last evaluated: 2022-05-27. Review status: criteria provided, single submitter. Criteria: Invitae Variant Classification Sherloc (09022015). Collection method: clinical testing. Allele origin: germline.
Comment: This sequence change replaces proline, which is neutral and non-polar, with leucine, which is neutral and non-polar, at codon 226 of the HACD1 protein (p.Pro226Leu). This variant is present in population databases (rs782810650, gnomAD 0.007%). This variant has not been reported in the literature in individuals affected with HACD1-related conditions. Algorithms developed to predict the effect of missense changes on protein structure and function are either unavailable or do not agree on the potential impact of this missense change (SIFT: "Tolerated"; PolyPhen-2: "Probably Damaging"; Align-GVGD: "Class C15"). In summary, the available evidence is currently insufficient to determine the role of this variant in disease. Therefore, it has been classified as a Variant of Uncertain Significance.